The following is an entry in ClinVar:

NM_001458.5(FLNC):c.7780+1G>C

Genes: FLNC (filamin C; plus strand), FLNC-AS1 (FLNC antisense RNA 1; minus strand). Cytogenetic location: 7q32.1.
Variant type: single nucleotide variant.
Coding change: c.7780+1G>C on transcript NM_001458.5 (MANE Select); the canonical splice donor site of the intron after coding-DNA position 7780, G replaced by C.
Molecular consequence: splice donor variant.
Genome position (GRCh38, 1-based): chr7:128,857,337, G>C. VCF-style: chr7-128857337-G-C. GRCh37 (hg19) VCF-style: chr7-128497391-G-C.
Other names: c.7681+1G>C (NM_001127487.2).
Identifiers: ClinVar variation 1486044 (VCV001486044.7), dbSNP rs1563005607, ClinGen allele CA369219987.
Genomic context (GRCh38, chr7:128,857,337, plus strand): 5'-CCATCAAGTACGGTGGCCCCCAGCACATCGTGGGCAGCCCCTTCAAGGCCAAGGTCACTG[G>C]TGAGTGCCAGTTTGGGGGAGGTCCACCCAGCCTGCAGCCCAGCCCAGCCTGGAGGGCTCC-3'

ClinVar aggregate classification (germline): Likely pathogenic. Review status: criteria provided, multiple submitters, no conflicts (2 of 4 stars). 2 submissions from 2 submitters: Likely pathogenic (2). Last evaluated 2025-05-06.

Conditions:
FLNC-related disorder. Also called: FLNC-related disorders; FLNC-related condition.
Myofibrillar myopathy 5. Also called: Filaminopathy (type); FILAMINOPATHY, AUTOSOMAL DOMINANT. Identifiers: Orphanet 171445, MedGen C1836050, MONDO:0012289, OMIM 609524.
Hypertrophic cardiomyopathy 26. Also called: Cardiomyopathy, familial hypertrophic, 26. Identifiers: Orphanet 75249, MedGen C4310749, MONDO:0014883, OMIM 617047.
Distal myopathy with posterior leg and anterior hand involvement. Also called: WILLIAMS DISTAL MYOPATHY. Identifiers: Orphanet 63273, MedGen C3279722, MONDO:0013550, OMIM 614065.

Submissions (2):

Labcorp Genetics (formerly Invitae), Labcorp
Classification: Likely pathogenic for Distal myopathy with posterior leg and anterior hand involvement; Myofibrillar myopathy 5; Hypertrophic cardiomyopathy 26. Last evaluated: 2025-05-06. Review status: criteria provided, single submitter. Criteria: Invitae Variant Classification Sherloc (09022015). Collection method: clinical testing. Allele origin: germline.
Comment: This sequence change affects a donor splice site in intron 46 of the FLNC gene. It is expected to disrupt RNA splicing. Variants that disrupt the donor or acceptor splice site typically lead to a loss of protein function (PMID: 16199547), and loss-of-function variants in FLNC are known to be pathogenic (PMID: 27908349). This variant is not present in population databases (gnomAD no frequency). This variant has not been reported in the literature in individuals affected with FLNC-related conditions. ClinVar contains an entry for this variant (Variation ID: 1486044). Algorithms developed to predict the effect of sequence changes on RNA splicing suggest that this variant may disrupt the consensus splice site. In summary, the currently available evidence indicates that the variant is pathogenic, but additional data are needed to prove that conclusively. Therefore, this variant has been classified as Likely Pathogenic.

Blueprint Genetics
Classification: Likely pathogenic for FLNC-related disorders. Last evaluated: 2022-08-10. Review status: criteria provided, single submitter. Criteria: ACMG Guidelines, 2015. Collection method: clinical testing. Allele origin: germline. Affected: yes. Observed: 1 variant allele.

Literature cited by the submitters: PubMed 16199547 (cited by Labcorp Genetics (formerly Invitae), Labcorp); PubMed 27908349 (cited by Labcorp Genetics (formerly Invitae), Labcorp).